The following is an entry in ClinVar:

NM_000018.4(ACADVL):c.587C>T (p.Ala196Val)

Gene: ACADVL (acyl-CoA dehydrogenase very long chain; plus strand). Cytogenetic location: 17p13.1.
Variant type: single nucleotide variant.
Coding change: c.587C>T on transcript NM_000018.4 (MANE Select); coding-DNA position 587, C replaced by T.
Protein change: p.Ala196Val; replaces alanine 196 with valine.
Molecular consequence: missense variant.
Genome position (GRCh38, 1-based): chr17:7,221,647, C>T. VCF-style: chr17-7221647-C-T. GRCh37 (hg19) VCF-style: chr17-7124966-C-T.
Other names: c.521C>T, p.Ala174Val (NM_001033859.3); c.656C>T, p.Ala219Val (NM_001270447.2); c.359C>T, p.Ala120Val (NM_001270448.2); short protein forms A196V, A174V, A219V, A120V.
Identifiers: ClinVar variation 966547 (VCV000966547.15), dbSNP rs201370388, ClinGen allele CA8337764.

ClinVar aggregate classification (germline): Uncertain significance. Review status: criteria provided, multiple submitters, no conflicts (2 of 4 stars). 5 submissions from 5 submitters: Uncertain significance (4). 1 of the submissions does not count toward it. Last evaluated 2025-08-11.

Conditions:
Very long chain acyl-CoA dehydrogenase deficiency (ACADVLD). Also called: VLCAD Deficiency; Very Long-Chain Acyl-Coenzyme A Dehydrogenase Deficiency. Identifiers: Orphanet 26793, MedGen C3887523, MONDO:0008723, OMIM 201475.
Inborn genetic diseases. Identifiers: MedGen C0950123, MeSH D030342.

Allele frequency attached by ClinVar (database versions not stated): gnomAD exomes 0.00003 and 0.00009; ExAC 0.00012; 1000 Genomes Project 30x 0.00062; TOPMed 0.00032; gnomAD 0.00034 and 0.00033; 1000 Genomes Project 0.00060; ESP Exome Variant Server 0.00046.
gnomAD v4.1: 104 of 1,613,998 alleles (0.0064%); highest among the groups gnomAD compares: African/African-American, 0.11%; no homozygotes.

Submissions (5):

Ambry Genetics
Classification: Uncertain significance for Inborn genetic diseases. Last evaluated: 2025-08-11. Review status: criteria provided, single submitter. Criteria: Ambry Variant Classification Scheme 2023. Collection method: clinical testing. Allele origin: germline.

Dasa
Classification: Uncertain significance. Last evaluated: 2025-06-27. Review status: criteria provided, single submitter. Criteria: DASA Assertion Criteria. Collection method: clinical testing. Allele origin: germline.
Comment: NM_000018.4(ACADVL):c.587C>T (p.Ala196Val) is a missense variant that results in the substitution of alanine with valine. This variant is rare in population databases. Computational prediction algorithms are consistent with a deleterious effect. The currently available literature and clinical evidence are not sufficient to establish a definitive association between this variant and the reported condition. Therefore, this variant is classified as a variant of uncertain significance.

GeneDx
Classification: Uncertain significance. Last evaluated: 2024-12-16. Review status: criteria provided, single submitter. Criteria: GeneDx Variant Classification Process June 2021. Collection method: clinical testing. Allele origin: germline. Affected: yes.
Comment: In silico analysis indicates that this missense variant does not alter protein structure/function; Has not been previously published as pathogenic or benign to our knowledge; This variant is associated with the following publications: (PMID: 27535533)

Labcorp Genetics (formerly Invitae), Labcorp
Classification: Uncertain significance for Very long chain acyl-CoA dehydrogenase deficiency. Last evaluated: 2022-10-31. Review status: criteria provided, single submitter. Criteria: Invitae Variant Classification Sherloc (09022015). Collection method: clinical testing. Allele origin: germline.
Comment: This sequence change replaces alanine, which is neutral and non-polar, with valine, which is neutral and non-polar, at codon 196 of the ACADVL protein (p.Ala196Val). This variant is present in population databases (rs201370388, gnomAD 0.1%). This variant has not been reported in the literature in individuals affected with ACADVL-related conditions. ClinVar contains an entry for this variant (Variation ID: 966547). Advanced modeling of protein sequence and biophysical properties (such as structural, functional, and spatial information, amino acid conservation, physicochemical variation, residue mobility, and thermodynamic stability) performed at Invitae indicates that this missense variant is expected to disrupt ACADVL protein function. In summary, the available evidence is currently insufficient to determine the role of this variant in disease. Therefore, it has been classified as a Variant of Uncertain Significance.

Natera, Inc.
Classification: Uncertain significance for Very long chain acyl-CoA dehydrogenase deficiency. Last evaluated: 2019-11-11. Review status: no assertion criteria provided. Collection method: clinical testing. Allele origin: germline. Not counted in ClinVar's aggregate classification.